The following is an entry in ClinVar:

NM_013328.4(PYCR2):c.616G>A (p.Gly206Arg)

Gene: PYCR2 (pyrroline-5-carboxylate reductase 2; minus strand). Cytogenetic location: 1q42.12.
Variant type: single nucleotide variant.
Coding change: c.616G>A on transcript NM_013328.4 (MANE Select); coding-DNA position 616, G replaced by A.
Protein change: p.Gly206Arg; replaces glycine 206 with arginine.
Molecular consequence: missense variant.
Genome position (GRCh38, 1-based): chr1:225,921,569, C>T on the plus strand (G>A on the coding strand, the complement: PYCR2 is on the minus strand). VCF-style: chr1-225921569-C-T. GRCh37 (hg19) VCF-style: chr1-226109269-C-T.
Other names: c.394G>A, p.Gly132Arg (NM_001271681.2); short protein forms G132R, G206R.
Identifiers: ClinVar variation 4293546 (VCV004293546.1).

ClinVar aggregate classification (germline): Uncertain significance (1 of 4 stars; one submission).

Conditions:
Leukodystrophy, hypomyelinating, 10. Also called: PYCR2-related microcephaly-progressive leukoencephalopathy. Identifiers: Orphanet 481152, MedGen C4225332, MONDO:0014632, OMIM 616420.

Submission:

3billion
Classification: Uncertain significance for Leukodystrophy, hypomyelinating, 10. Last evaluated: 2025-02-27. Review status: criteria provided, single submitter. Criteria: ACMG Guidelines, 2015. Collection method: clinical testing. Allele origin: germline. Affected: yes.
Comment: The variant is observed at an extremely low frequency in the gnomAD v4.1.0 dataset (total allele frequency: <0.001%). Predicted Consequence/Location: Missense variant In silico tool predictions suggest damaging effect of the variant on gene or gene product [REVEL: 0.81 (>=0.6, sensitivity 0.68 and specificity 0.92)]. The same nucleotide change resulting in the same amino acid change has been previously reported to be associated with PYCR2-related disorder (PMID: 27130255). Therefore, this variant is classified as VUS according to the recommendation of ACMG/AMP guideline.

Literature cited by the submitters: PubMed 27130255.